The following is an entry in ClinVar:

ClinVar aggregate classification (germline): Uncertain significance (1 of 4 stars; one submission).

Conditions:
Autosomal dominant polycystic kidney disease. Identifiers: Orphanet 730, MedGen C0085413, MONDO:0004691.

gnomAD v4.1: 21 of 1,612,026 alleles (0.0013%); highest among the groups gnomAD compares: East Asian, 0.0045%; no homozygotes.

Submission:

Labcorp Genetics (formerly Invitae), Labcorp
Classification: Uncertain significance for Autosomal dominant polycystic kidney disease. Last evaluated: 2025-02-20. Review status: criteria provided, single submitter. Criteria: Invitae Variant Classification Sherloc (09022015). Collection method: clinical testing. Allele origin: germline.
Comment: This sequence change replaces valine, which is neutral and non-polar, with methionine, which is neutral and non-polar, at codon 722 of the PKD2 protein (p.Val722Met). This variant is present in population databases (rs529945469, gnomAD 0.005%). This variant has not been reported in the literature in individuals affected with PKD2-related conditions. ClinVar contains an entry for this variant (Variation ID: 3010286). Invitae Evidence Modeling of protein sequence and biophysical properties (such as structural, functional, and spatial information, amino acid conservation, physicochemical variation, residue mobility, and thermodynamic stability) indicates that this missense variant is expected to disrupt PKD2 protein function with a positive predictive value of 80%. In summary, the available evidence is currently insufficient to determine the role of this variant in disease. Therefore, it has been classified as a Variant of Uncertain Significance.

NM_000297.4(PKD2):c.2164G>A (p.Val722Met)

Gene: PKD2 (polycystin 2, transient receptor potential cation channel; plus strand). Cytogenetic location: 4q22.1.
Variant type: single nucleotide variant.
Coding change: c.2164G>A on transcript NM_000297.4 (MANE Select); coding-DNA position 2164, G replaced by A.
Protein change: p.Val722Met; replaces valine 722 with methionine.
Molecular consequence: missense variant. On other transcripts: non-coding transcript variant (1).
Genome position (GRCh38, 1-based): chr4:88,065,419, G>A. VCF-style: chr4-88065419-G-A. GRCh37 (hg19) VCF-style: chr4-88986571-G-A.
Other names: short protein forms V722M.
Identifiers: ClinVar variation 3010286 (VCV003010286.3), dbSNP rs529945469, ClinGen allele CA3004153.